The following is an entry in ClinVar:

ClinVar aggregate classification (germline): Uncertain significance (1 of 4 stars; one submission).

Conditions:
Cardiovascular phenotype. Identifiers: MedGen CN230736.

Allele frequency attached by ClinVar (database versions not stated): ExAC 0.00001; gnomAD 0.00001.
gnomAD v4.1: 6 of 1,614,050 alleles (0.00037%); highest among the groups gnomAD compares: Non-Finnish European, 0.00051%; no homozygotes.

Submission:

Ambry Genetics
Classification: Uncertain significance for Cardiovascular phenotype. Last evaluated: 2022-01-31. Review status: criteria provided, single submitter. Criteria: Ambry Variant Classification Scheme 2023. Collection method: clinical testing. Allele origin: germline.
Comment: The p.Y1865S variant (also known as c.5594A>C), located in coding exon 27 of the SCN10A gene, results from an A to C substitution at nucleotide position 5594. The tyrosine at codon 1865 is replaced by serine, an amino acid with dissimilar properties. This amino acid position is not well conserved in available vertebrate species. In addition, the in silico prediction for this alteration is inconclusive. The evidence for this gene-disease relationship is limited; therefore, the clinical significance of this alteration is unclear.

NM_006514.4(SCN10A):c.5594A>C (p.Tyr1865Ser)

Gene: SCN10A (sodium voltage-gated channel alpha subunit 10; minus strand). Cytogenetic location: 3p22.2.
Variant type: single nucleotide variant.
Coding change: c.5594A>C on transcript NM_006514.4 (MANE Select); coding-DNA position 5594, A replaced by C.
Protein change: p.Tyr1865Ser; replaces tyrosine 1865 with serine.
Molecular consequence: missense variant.
Genome position (GRCh38, 1-based): chr3:38,697,626, T>G on the plus strand (A>C on the coding strand, the complement: SCN10A is on the minus strand). VCF-style: chr3-38697626-T-G. GRCh37 (hg19) VCF-style: chr3-38739117-T-G.
Other names: c.5591A>C, p.Tyr1864Ser (NM_001293306.2); c.5300A>C, p.Tyr1767Ser (NM_001293307.2); short protein forms Y1767S, Y1864S, Y1865S.
Identifiers: ClinVar variation 1748504 (VCV001748504.2), dbSNP rs377518708, ClinGen allele CA2319644.